The following is an entry in ClinVar:

ClinVar aggregate classification (germline): Uncertain significance (1 of 4 stars; one submission).

Conditions:
Cohen syndrome (COH1). Also called: PEPPER SYNDROME; Cutis verticis gyrata, retinitis pigmentosa, and sensorineural deafness. Identifiers: Orphanet 193, MedGen C0265223, MONDO:0008999, OMIM 216550.

Allele frequency attached by ClinVar (database versions not stated): gnomAD exomes below 0.00001; TOPMed below 0.00001; gnomAD 0.00001.
gnomAD v4.1: 3 of 1,612,838 alleles (0.00019%); highest among the groups gnomAD compares: Non-Finnish European, 0.00025%; no homozygotes.

Submission:

Labcorp Genetics (formerly Invitae), Labcorp
Classification: Uncertain significance for Cohen syndrome. Last evaluated: 2022-10-17. Review status: criteria provided, single submitter. Criteria: Invitae Variant Classification Sherloc (09022015). Collection method: clinical testing. Allele origin: germline.
Comment: In summary, the available evidence is currently insufficient to determine the role of this variant in disease. Therefore, it has been classified as a Variant of Uncertain Significance. Advanced modeling of protein sequence and biophysical properties (such as structural, functional, and spatial information, amino acid conservation, physicochemical variation, residue mobility, and thermodynamic stability) performed at Invitae indicates that this missense variant is not expected to disrupt VPS13B protein function. ClinVar contains an entry for this variant (Variation ID: 1017140). This variant has not been reported in the literature in individuals affected with VPS13B-related conditions. This variant is not present in population databases (gnomAD no frequency). This sequence change replaces asparagine, which is neutral and polar, with serine, which is neutral and polar, at codon 3129 of the VPS13B protein (p.Asn3129Ser).

NM_152564.5(VPS13B):c.9311A>G (p.Asn3104Ser)

Gene: VPS13B (vacuolar protein sorting 13 homolog B; plus strand). Cytogenetic location: 8q22.2.
Variant type: single nucleotide variant.
Coding change: c.9311A>G on transcript NM_152564.5 (MANE Select); coding-DNA position 9311, A replaced by G.
Protein change: p.Asn3104Ser; replaces asparagine 3104 with serine.
Molecular consequence: missense variant.
Genome position (GRCh38, 1-based): chr8:99,823,959, A>G. VCF-style: chr8-99823959-A-G. GRCh37 (hg19) VCF-style: chr8-100836187-A-G.
Other names: c.9386A>G, p.Asn3129Ser (NM_017890.5); short protein forms N3104S, N3129S.
Identifiers: ClinVar variation 1017140 (VCV001017140.8), dbSNP rs1157467792, ClinGen allele CA371780494.